The following is an entry in ClinVar:

NM_001032386.2(SUOX):c.1162C>A (p.Pro388Thr)

Gene: SUOX (sulfite oxidase; plus strand). Cytogenetic location: 12q13.2.
Variant type: single nucleotide variant.
Coding change: c.1162C>A on transcript NM_001032386.2 (MANE Select); coding-DNA position 1162, C replaced by A.
Protein change: p.Pro388Thr; replaces proline 388 with threonine.
Molecular consequence: missense variant.
Genome position (GRCh38, 1-based): chr12:56,004,551, C>A. VCF-style: chr12-56004551-C-A. GRCh37 (hg19) VCF-style: chr12-56398335-C-A.
Other names: c.1162C>A, p.Pro388Thr (NM_000456.3, NM_001032387.2); c.1162C>A (NM_000456.2); short protein forms P388T.
Identifiers: ClinVar variation 1010352 (VCV001010352.10), dbSNP rs151226742, ClinGen allele CA6621118.

ClinVar aggregate classification (germline): Uncertain significance. Review status: criteria provided, multiple submitters, no conflicts (2 of 4 stars). 2 submissions from 2 submitters: Uncertain significance (2). Last evaluated 2025-07-16.

Conditions:
Inborn genetic diseases. Identifiers: MedGen C0950123, MeSH D030342.
Sulfite oxidase deficiency. Also called: Isolated sulfite oxidase deficiency. Identifiers: Orphanet 833, Orphanet 99731, MedGen C0268624, MONDO:0010089, OMIM 272300, HP:0003643.

Allele frequency attached by ClinVar (database versions not stated): gnomAD exomes 0.00003 and 0.00005; ExAC 0.00002; gnomAD 0.00005; TOPMed 0.00005; ESP Exome Variant Server 0.00015.

Submissions (2):

Ambry Genetics
Classification: Uncertain significance for Inborn genetic diseases. Last evaluated: 2025-07-16. Review status: criteria provided, single submitter. Criteria: Ambry Variant Classification Scheme 2023. Collection method: clinical testing. Allele origin: germline.

Labcorp Genetics (formerly Invitae), Labcorp
Classification: Uncertain significance for Sulfite oxidase deficiency. Last evaluated: 2024-12-09. Review status: criteria provided, single submitter. Criteria: Invitae Variant Classification Sherloc (09022015). Collection method: clinical testing. Allele origin: germline.
Comment: This sequence change replaces proline, which is neutral and non-polar, with threonine, which is neutral and polar, at codon 388 of the SUOX protein (p.Pro388Thr). This variant is present in population databases (rs151226742, gnomAD 0.006%). This variant has not been reported in the literature in individuals affected with SUOX-related conditions. ClinVar contains an entry for this variant (Variation ID: 1010352). Invitae Evidence Modeling of protein sequence and biophysical properties (such as structural, functional, and spatial information, amino acid conservation, physicochemical variation, residue mobility, and thermodynamic stability) indicates that this missense variant is not expected to disrupt SUOX protein function with a negative predictive value of 95%. In summary, the available evidence is currently insufficient to determine the role of this variant in disease. Therefore, it has been classified as a Variant of Uncertain Significance.